The following is an entry in ClinVar:

ClinVar aggregate classification (germline): Uncertain significance. Review status: criteria provided, multiple submitters, no conflicts (2 of 4 stars). 2 submissions from 2 submitters: Uncertain significance (2). Last evaluated 2026-01-21.

Conditions:
Inborn genetic diseases. Identifiers: MedGen C0950123, MeSH D030342.

gnomAD v4.1: 29 of 1,613,910 alleles (0.0018%); highest among the groups gnomAD compares: Admixed American, 0.01%; no homozygotes.

Submissions (2):

Labcorp Genetics (formerly Invitae), Labcorp
Classification: Uncertain significance. Last evaluated: 2026-01-21. Review status: criteria provided, single submitter. Criteria: Invitae Variant Classification Sherloc (09022015). Collection method: clinical testing. Allele origin: germline.
Comment: This sequence change replaces alanine, which is neutral and non-polar, with serine, which is neutral and polar, at codon 650 of the COL27A1 protein (p.Ala650Ser). This variant is present in population databases (rs750259036, gnomAD 0.01%). This variant has not been reported in the literature in individuals affected with COL27A1-related conditions. Invitae Evidence Modeling of protein sequence and biophysical properties (such as structural, functional, and spatial information, amino acid conservation, physicochemical variation, residue mobility, and thermodynamic stability) indicates that this missense variant is not expected to disrupt COL27A1 protein function with a negative predictive value of 80%. In summary, the available evidence is currently insufficient to determine the role of this variant in disease. Therefore, it has been classified as a Variant of Uncertain Significance.

Ambry Genetics
Classification: Uncertain significance for Inborn genetic diseases. Last evaluated: 2025-10-02. Review status: criteria provided, single submitter. Criteria: Ambry Variant Classification Scheme 2023. Collection method: clinical testing. Allele origin: germline.

NM_032888.4(COL27A1):c.1948G>T (p.Ala650Ser)

Gene: COL27A1 (collagen type XXVII alpha 1 chain; plus strand). Cytogenetic location: 9q32.
Variant type: single nucleotide variant.
Coding change: c.1948G>T on transcript NM_032888.4 (MANE Select); coding-DNA position 1948, G replaced by T.
Protein change: p.Ala650Ser; replaces alanine 650 with serine.
Molecular consequence: missense variant.
Genome position (GRCh38, 1-based): chr9:114,178,330, G>T. VCF-style: chr9-114178330-G-T. GRCh37 (hg19) VCF-style: chr9-116940610-G-T.
Other names: short protein forms A650S.
Identifiers: ClinVar variation 4616208 (VCV004616208.2).